The following is an entry in ClinVar:

ClinVar aggregate classification (germline): Likely benign (1 of 4 stars; one submission).

Conditions:
SEMA3F-related disorder. Also called: SEMA3F-related condition.

gnomAD v4.1: 10 of 1,614,052 alleles (0.00062%); highest among the groups gnomAD compares: African/African-American, 0.0027%; no homozygotes.

Submission:

PreventionGenetics, part of Exact Sciences
Classification: Likely benign for SEMA3F-related condition. Last evaluated: 2025-03-18. Review status: criteria provided, single submitter. Criteria: ACMG Guidelines, 2015. Collection method: clinical testing. Allele origin: germline.
Comment: This variant is classified as likely benign based on ACMG/AMP sequence variant interpretation guidelines (Richards et al. 2015 PMID: 25741868, with internal and published modifications).

NM_004186.5(SEMA3F):c.1557C>T (p.Pro519=)

Gene: SEMA3F (semaphorin 3F; plus strand). Cytogenetic location: 3p21.31.
Variant type: single nucleotide variant.
Coding change: c.1557C>T on transcript NM_004186.5 (MANE Select); coding-DNA position 1557, C replaced by T.
Protein change: p.Pro519=; no amino-acid change (proline 519 retained).
Molecular consequence: synonymous variant.
Genome position (GRCh38, 1-based): chr3:50,185,677, C>T. VCF-style: chr3-50185677-C-T. GRCh37 (hg19) VCF-style: chr3-50223110-C-T.
Other names: c.1260C>T, p.Pro420= (NM_001318798.2); c.1464C>T, p.Pro488= (NM_001318800.2).
Identifiers: ClinVar variation 4982905 (VCV004982905.1).